The following is an entry in ClinVar:

ClinVar aggregate classification (germline): Uncertain significance (1 of 4 stars; one submission).

Submission:

GeneDx
Classification: Uncertain significance. Last evaluated: 2025-07-08. Review status: criteria provided, single submitter. Criteria: GeneDx Variant Classification Process June 2021. Collection method: clinical testing. Allele origin: germline. Affected: yes.
Comment: Not observed at significant frequency in large population cohorts (gnomAD); In silico analysis suggests that this missense variant does not alter protein structure/function; Has not been previously published as pathogenic or benign to our knowledge

NM_001170629.2(CHD8):c.1706G>A (p.Ser569Asn)

Gene: CHD8 (chromodomain helicase DNA binding protein 8; minus strand). Cytogenetic location: 14q11.2.
Variant type: single nucleotide variant.
Coding change: c.1706G>A on transcript NM_001170629.2 (MANE Select); coding-DNA position 1706, G replaced by A.
Protein change: p.Ser569Asn; replaces serine 569 with asparagine.
Molecular consequence: missense variant.
Genome position (GRCh38, 1-based): chr14:21,426,138, C>T on the plus strand (G>A on the coding strand, the complement: CHD8 is on the minus strand). VCF-style: chr14-21426138-C-T. GRCh37 (hg19) VCF-style: chr14-21894297-C-T.
Other names: c.869G>A, p.Ser290Asn (NM_020920.4); short protein forms S290N, S569N.
Identifiers: ClinVar variation 4685120 (VCV004685120.1).